The following is an entry in ClinVar:

ClinVar aggregate classification (germline): Uncertain significance (1 of 4 stars; one submission).

Conditions:
Inborn genetic diseases. Identifiers: MedGen C0950123, MeSH D030342.

Submission:

Ambry Genetics
Classification: Uncertain significance for Inborn genetic diseases. Last evaluated: 2023-06-01. Review status: criteria provided, single submitter. Criteria: Ambry Variant Classification Scheme 2023. Collection method: clinical testing. Allele origin: germline.
Comment: The p.K464I variant (also known as c.1391A>T), located in coding exon 12 of the LRRK2 gene, results from an A to T substitution at nucleotide position 1391. The lysine at codon 464 is replaced by isoleucine, an amino acid with dissimilar properties. This amino acid position is conserved. In addition, this alteration is predicted to be tolerated by in silico analysis. Since supporting evidence is limited at this time, the clinical significance of this alteration remains unclear.

NM_198578.4(LRRK2):c.1391A>T (p.Lys464Ile)

Gene: LRRK2 (leucine rich repeat kinase 2; plus strand). Cytogenetic location: 12q12.
Variant type: single nucleotide variant.
Coding change: c.1391A>T on transcript NM_198578.4 (MANE Select); coding-DNA position 1391, A replaced by T.
Protein change: p.Lys464Ile; replaces lysine 464 with isoleucine.
Molecular consequence: missense variant.
Genome position (GRCh38, 1-based): chr12:40,257,350, A>T. VCF-style: chr12-40257350-A-T. GRCh37 (hg19) VCF-style: chr12-40651152-A-T.
Other names: short protein forms K464I.
Identifiers: ClinVar variation 2567437 (VCV002567437.2), dbSNP rs1942565725, ClinGen allele CA384410827.